The following is an entry in ClinVar:

NM_003079.5(SMARCE1):c.1088C>T (p.Thr363Ile)

Gene: SMARCE1 (SWI/SNF related BAF chromatin remodeling complex subunit E1; minus strand). Cytogenetic location: 17q21.2.
Variant type: single nucleotide variant.
Coding change: c.1088C>T on transcript NM_003079.5 (MANE Select); coding-DNA position 1088, C replaced by T.
Protein change: p.Thr363Ile; replaces threonine 363 with isoleucine.
Molecular consequence: missense variant.
Genome position (GRCh38, 1-based): chr17:40,628,933, G>A on the plus strand (C>T on the coding strand, the complement: SMARCE1 is on the minus strand). VCF-style: chr17-40628933-G-A. GRCh37 (hg19) VCF-style: chr17-38785185-G-A.
Other names: short protein forms T363I.
Identifiers: ClinVar variation 1956180 (VCV001956180.8), dbSNP rs1247688181, ClinGen allele CA399361490.
Genomic context (GRCh38, chr17:40,628,933, plus strand): 5'-CTGGTTCCTTCCTCTGCCATACTGTCGACCCCCTCCTGCCCACTCTCCTTGTCCTCAGGA[G>A]TAGACGTGCCTTCTTCACCATTCTGTTGGCTCTCTGTTGTTTCTTCAAGGTGTGTCTCCT-3'
Protein context (NP_003070.3, residues 353-373): SQQNGEEGTS[Thr363Ile]PEDKESGQEG

ClinVar aggregate classification (germline): Uncertain significance. Review status: criteria provided, multiple submitters, no conflicts (2 of 4 stars). 4 submissions from 4 submitters: Uncertain significance (4). Last evaluated 2026-08-22.

Conditions:
Familial meningioma. Also called: Meningioma, familial, susceptibility to. Identifiers: Orphanet 263662, MedGen C3551915, MONDO:0011789, OMIM 607174.
Hereditary cancer-predisposing syndrome. Also called: Hereditary neoplastic syndrome; Neoplastic Syndromes, Hereditary; Tumor predisposition; Hereditary Cancer Syndrome. Identifiers: Orphanet 140162, MedGen C0027672, MeSH D009386, MONDO:0015356.

Allele frequency attached by ClinVar (database versions not stated): gnomAD exomes below 0.00001.
gnomAD v4.1: 3 of 1,613,808 alleles (0.00019%); highest among the groups gnomAD compares: Non-Finnish European, 0.00017%; no homozygotes.

Submissions (4):

Ambry Genetics
Classification: Uncertain significance for Hereditary cancer-predisposing syndrome. Last evaluated: 2026-08-22. Review status: criteria provided, single submitter. Criteria: Ambry Variant Classification Scheme 2023. Collection method: clinical testing. Allele origin: germline.
Comment: The p.T363I variant (also known as c.1088C>T), located in coding exon 10 of the SMARCE1 gene, results from a C to T substitution at nucleotide position 1088. The threonine at codon 363 is replaced by isoleucine, an amino acid with similar properties. This amino acid position is conserved. In addition, this alteration is predicted to be tolerated by in silico analysis. Based on the available evidence, the clinical significance of this variant remains unclear.

Baylor Genetics
Classification: Uncertain significance for Familial meningioma. Last evaluated: 2023-11-21. Review status: criteria provided, single submitter. Criteria: ACMG Guidelines, 2015. Collection method: clinical testing. Allele origin: unknown.

GeneDx
Classification: Uncertain significance. Last evaluated: 2022-11-22. Review status: criteria provided, single submitter. Criteria: GeneDx Variant Classification Process June 2021. Collection method: clinical testing. Allele origin: germline. Affected: yes.
Comment: In silico analysis supports that this missense variant does not alter protein structure/function; Has not been previously published as pathogenic or benign to our knowledge; This variant is associated with the following publications: (PMID: 19245665)

Labcorp Genetics (formerly Invitae), Labcorp
Classification: Uncertain significance for Familial meningioma. Last evaluated: 2022-10-03. Review status: criteria provided, single submitter. Criteria: Invitae Variant Classification Sherloc (09022015). Collection method: clinical testing. Allele origin: germline.
Comment: Advanced modeling of protein sequence and biophysical properties (such as structural, functional, and spatial information, amino acid conservation, physicochemical variation, residue mobility, and thermodynamic stability) performed at Invitae indicates that this missense variant is not expected to disrupt SMARCE1 protein function. In summary, the available evidence is currently insufficient to determine the role of this variant in disease. Therefore, it has been classified as a Variant of Uncertain Significance. This variant has not been reported in the literature in individuals affected with SMARCE1-related conditions. This variant is present in population databases (no rsID available, gnomAD 0.01%). This sequence change replaces threonine, which is neutral and polar, with isoleucine, which is neutral and non-polar, at codon 363 of the SMARCE1 protein (p.Thr363Ile).